The following is an entry in ClinVar:

ClinVar aggregate classification (germline): Likely pathogenic (3 of 4 stars; one submission).

Conditions:
Bernard Soulier syndrome (BSS). Also called: GLYCOPROTEIN Ib, PLATELET, DEFICIENCY OF; PLATELET GLYCOPROTEIN Ib DEFICIENCY; VON WILLEBRAND FACTOR RECEPTOR DEFICIENCY; Giant platelet syndrome; Hemorrhagiparous thrombocytic dystrophy; Giant platelet disease. Identifiers: Orphanet 274, MedGen C0005129, MeSH D001606, MONDO:0009276, OMIM 231200.

Submission:

ClinGen Platelet Disorders Variant Curation Expert Panel, ClinGen
Classification: Likely pathogenic for Bernard Soulier syndrome. Last evaluated: 2025-05-01. Review status: reviewed by expert panel. Criteria: ClinGen Platelet ACMG Specifications GP1BA V1.0.0. Collection method: curation. Allele origin: germline. Inheritance: Autosomal recessive inheritance.
Comment: The c.1465del (p.Glu489AsnfsTer64) variant in GP1BA is a frameshift variant that may cause a premature stop codon that is predicted to escape nonsense mediated decay, however it is a truncation of a functionally important region in a gene where loss-of-function is an established disease mechanism (PVS1_Strong). At least one patient (Patient BSS14.01 in PMID: 23995613) with this variant had aggregation absent for ristocetin and present for all other agonists, which is highly specific for Bernard-Soulier syndrome. Additionally, the patient had excessive mucocutaneous bleeding and macrothrombocytopenia which are consistent with Bernard-Soulier syndrome (PP4). This variant is absent from gnomAD v4.1.0 (PM2_Supporting). In summary, this variant meets the criteria to be classified as Likely Pathogenic for autosomal recessive Bernard-Soulier syndrome based on the ACMG/AMP criteria applied, as specified by the ClinGen PD VCEP: PVS1_Strong, PP4, PM2_Supporting, and PM3_Supporting (VCEP specifications version 1).

NM_000173.7(GP1BA):c.1465del (p.Glu489fs)

Gene: GP1BA (glycoprotein Ib platelet subunit alpha; plus strand). Cytogenetic location: 17p13.2.
Variant type: Deletion.
Coding change: c.1465del on transcript NM_000173.7 (MANE Select); coding-DNA position 1465, one base deleted (G; older notation c.1465delG).
Protein change: p.Glu489fs; shifts the reading frame from glutamic acid 489.
Molecular consequence: frameshift variant.
Genome position (GRCh38, 1-based): chr17:4,934,069, G deleted. VCF-style (leftmost placement, unchanged base first): chr17-4934068-AG-A. GRCh37 (hg19) VCF-style: chr17-4837363-AG-A.
Other names: NM_000173.7:c.1465del; short protein forms E489fs.
Identifiers: ClinVar variation 4087792 (VCV004087792.1).
Genomic context (GRCh38, chr17:4,934,068, plus strand): 5'-CACAAGCCTGATCACTCCAAAAAGCACATTTTTAACTACCACAAAACCCGTATCACTCTT[AG>A]AATCCACCAAAAAAACCATCCCTGAACTTGATCAGCCACCAAAGCTCCGTGGGGTGCTCC-3'